The following is an entry in ClinVar:

ClinVar aggregate classification (germline): Pathogenic (1 of 4 stars; one submission).

Submission:

GeneDx
Classification: Pathogenic. Last evaluated: 2025-07-08. Review status: criteria provided, single submitter. Criteria: GeneDx Variant Classification Process June 2021. Collection method: clinical testing. Allele origin: germline. Affected: yes.
Comment: Frameshift variant predicted to result in protein truncation or nonsense mediated decay in a gene for which loss of function is a known mechanism of disease; Not observed at significant frequency in large population cohorts (gnomAD); Has not been previously published as pathogenic or benign to our knowledge

NM_005378.6(MYCN):c.167_203del (p.Leu56fs)

Genes: MYCN (MYCN proto-oncogene, bHLH transcription factor; plus strand), MYCNOS (MYCN opposite strand; minus strand). Cytogenetic location: 2p24.3.
Variant type: Deletion.
Coding change: c.167_203del on transcript NM_005378.6 (MANE Select); coding-DNA positions 167 to 203, 37 bases deleted.
Protein change: p.Leu56fs; shifts the reading frame from leucine 56.
Molecular consequence: frameshift variant. On other transcripts: non-coding transcript variant (1), 3 prime UTR variant (1), intron variant (1).
Genome position (GRCh38, 1-based): chr2:15,942,231-15,942,267, 37 bases deleted; deleting any 37 consecutive bases within chr2:15,942,229-15,942,267 gives the same sequence; the c. name uses the placement nearest the transcript's 3' end. GRCh37 (hg19): chr2:16,082,353-16,082,389.
Other names: c.167_203del, p.Leu56fs (NM_001293228.2); c.*102_*138del (NM_001293233.2); c.157+1488_157+1524del (NM_001293231.2); short protein forms L56fs.
Identifiers: ClinVar variation 4685118 (VCV004685118.1).